The following is an entry in ClinVar:

ClinVar aggregate classification (germline): Uncertain significance (1 of 4 stars; one submission).

Conditions:
Mowat-Wilson syndrome (MOWS). Also called: Classic Mowat-Wilson Syndrome. Identifiers: Orphanet 2152, MedGen C1856113, MONDO:0009341, OMIM 235730.

gnomAD v4.1: 1 of 1,613,798 alleles (0.000062%); highest among the groups gnomAD compares: Non-Finnish European, 0.000085%; no homozygotes.

Submission:

Labcorp Genetics (formerly Invitae), Labcorp
Classification: Uncertain significance for Mowat-Wilson syndrome. Last evaluated: 2026-01-27. Review status: criteria provided, single submitter. Criteria: Invitae Variant Classification Sherloc (09022015). Collection method: clinical testing. Allele origin: germline.
Comment: This sequence change falls in intron 3 of the ZEB2 gene. It does not directly change the encoded amino acid sequence of the ZEB2 protein. It affects a nucleotide within the consensus splice site. This variant is not present in population databases (gnomAD no frequency). This variant has not been reported in the literature in individuals affected with ZEB2-related conditions. Variants that disrupt the consensus splice site are a relatively common cause of aberrant splicing (PMID: 17576681, 9536098). Algorithms developed to predict the effect of sequence changes on RNA splicing suggest that this variant is not likely to affect RNA splicing. In summary, the available evidence is currently insufficient to determine the role of this variant in disease. Therefore, it has been classified as a Variant of Uncertain Significance.

Literature cited by the submitters: PubMed 17576681; PubMed 9536098.

NM_014795.4(ZEB2):c.331+4A>C

Gene: ZEB2 (zinc finger E-box binding homeobox 2; minus strand). Cytogenetic location: 2q22.3.
Variant type: single nucleotide variant.
Coding change: c.331+4A>C on transcript NM_014795.4 (MANE Select); 4 bases into the intron after coding-DNA position 331, A replaced by C.
Molecular consequence: intron variant.
Genome position (GRCh38, 1-based): chr2:144,429,765, T>G on the plus strand (A>C on the coding strand, the complement: ZEB2 is on the minus strand). VCF-style: chr2-144429765-T-G. GRCh37 (hg19) VCF-style: chr2-145187332-T-G.
Other names: c.331+4A>C (NM_001171653.2).
Identifiers: ClinVar variation 4777729 (VCV004777729.1).